The following is an entry in ClinVar:

NM_001372051.1(CASP8):c.1198C>A (p.Leu400Met)

Gene: CASP8 (caspase 8; plus strand). Cytogenetic location: 2q33.1.
Variant type: single nucleotide variant.
Coding change: c.1198C>A on transcript NM_001372051.1 (MANE Select); coding-DNA position 1198, C replaced by A.
Protein change: p.Leu400Met; replaces leucine 400 with methionine.
Molecular consequence: missense variant. On other transcripts: non-coding transcript variant (22), intron variant (1).
Genome position (GRCh38, 1-based): chr2:201,285,211, C>A. VCF-style: chr2-201285211-C-A. GRCh37 (hg19) VCF-style: chr2-202149934-C-A.
Other names: c.1153C>A, p.Leu385Met (NM_001080124.2, NM_001400658.1, NM_001400659.1 and 5 more transcripts); c.1375C>A, p.Leu459Met (NM_001080125.2); c.1249C>A, p.Leu417Met (NM_001228.5); c.1330C>A, p.Leu444Met (NM_001400642.1); c.1231C>A, p.Leu411Met (NM_001400645.1); c.1198C>A, p.Leu400Met (NM_001400648.1, NM_001400651.1, NM_001400653.1 and 5 more transcripts); c.1129C>A, p.Leu377Met (NM_001400664.1); c.1123C>A, p.Leu375Met (NM_001400665.1); and 7 more; short protein forms L400M, L417M, L385M, L459M, L186M, L195M, L201M, L297M.
Identifiers: ClinVar variation 1479407 (VCV001479407.6), dbSNP rs2125488841, ClinGen allele CA350302254.

ClinVar aggregate classification (germline): Uncertain significance (1 of 4 stars; one submission).

Conditions:
Autoimmune lymphoproliferative syndrome type 2B. Also called: AUTOIMMUNE LYMPHOPROLIFERATIVE SYNDROME, TYPE IIB. Identifiers: Orphanet 275517, MedGen C1846545, MONDO:0011804, OMIM 607271.

Allele frequency attached by ClinVar (database versions not stated): gnomAD exomes below 0.00001.
gnomAD v4.1: 4 of 1,614,212 alleles (0.00025%); highest among the groups gnomAD compares: Non-Finnish European, 0.00034%; no homozygotes.

Submission:

Labcorp Genetics (formerly Invitae), Labcorp
Classification: Uncertain significance for Autoimmune lymphoproliferative syndrome type 2B. Last evaluated: 2021-08-11. Review status: criteria provided, single submitter. Criteria: Invitae Variant Classification Sherloc (09022015). Collection method: clinical testing. Allele origin: germline.
Comment: In summary, the available evidence is currently insufficient to determine the role of this variant in disease. Therefore, it has been classified as a Variant of Uncertain Significance. Algorithms developed to predict the effect of missense changes on protein structure and function are either unavailable or do not agree on the potential impact of this missense change (SIFT: "Deleterious"; PolyPhen-2: "Probably Damaging"; Align-GVGD: "Class C0"). This variant has not been reported in the literature in individuals affected with CASP8-related conditions. This variant is not present in population databases (ExAC no frequency). This sequence change replaces leucine with methionine at codon 417 of the CASP8 protein (p.Leu417Met). The leucine residue is highly conserved and there is a small physicochemical difference between leucine and methionine.